The following is an entry in ClinVar:

NM_000257.4(MYH7):c.3865C>T (p.Arg1289Trp)

Gene: MYH7 (myosin heavy chain 7; minus strand). Cytogenetic location: 14q11.2.
Variant type: single nucleotide variant.
Coding change: c.3865C>T on transcript NM_000257.4 (MANE Select); coding-DNA position 3865, C replaced by T.
Protein change: p.Arg1289Trp; replaces arginine 1289 with tryptophan.
Molecular consequence: missense variant.
Genome position (GRCh38, 1-based): chr14:23,419,284, G>A on the plus strand (C>T on the coding strand, the complement: MYH7 is on the minus strand). VCF-style: chr14-23419284-G-A. GRCh37 (hg19) VCF-style: chr14-23888493-G-A.
Other names: c.3865C>T (LRG_384t1); short protein forms R1289W.
Identifiers: ClinVar variation 374964 (VCV000374964.12), dbSNP rs180824037, ClinGen allele CA16043997.
Genomic context (GRCh38, chr14:23,419,284, plus strand): 5'-TGTAGGTGAGCTTGCCTCGGGTCAGCTGGGAGATCAGTGCCTCCTTCTCATCCAGCTGCC[G>A]GGACAGCTCACCTGGGGAAGCACCATTCTAGATCAGCACTCCTCTCTATCCCCACCTCCT-3'
Protein context (NP_000248.2, residues 1279-1299): KLQTENGELS[Arg1289Trp]QLDEKEALIS

ClinVar aggregate classification (germline): Uncertain significance. Review status: criteria provided, multiple submitters, no conflicts (2 of 4 stars). 6 submissions from 5 submitters: Uncertain significance (3). 3 of the submissions do not count toward it. Last evaluated 2025-11-05.

Conditions:
Cardiovascular phenotype. Identifiers: MedGen CN230736.
Cardiomyopathy (CMYO). Also called: Cardiomyopathies. Identifiers: Orphanet 167848, MedGen C0878544, MONDO:0004994, HP:0001638. Inheritance: Various modes of inheritance.
Hypertrophic cardiomyopathy 1 (CMH1). Also called: Familial hypertrophic cardiomyopathy 1; MYH7-Related Familial Hypertrophic Cardiomyopathy. Identifiers: MedGen C3495498, MONDO:0008647, OMIM 192600.
Dilated cardiomyopathy 1S (CMD1S). Identifiers: Orphanet 154, Orphanet 54260, MedGen C1834481, MONDO:0013262, OMIM 613426.
Hypertrophic cardiomyopathy. Also called: HYPERTROPHIC MYOCARDIOPATHY. Identifiers: Orphanet 217569, MedGen C0007194, MeSH D002312, MONDO:0005045, HP:0001639.

Allele frequency attached by ClinVar (database versions not stated): gnomAD exomes 0.00001; TOPMed 0.00001.

Submissions (6):

Color Diagnostics, LLC DBA Color Health
Classification: Uncertain significance for Cardiomyopathy. Last evaluated: 2025-11-05. Review status: criteria provided, single submitter. Criteria: ACMG Guidelines, 2015. Collection method: clinical testing. Allele origin: germline.
Comment: This missense variant replaces arginine with tryptophan at codon 1289 of the MYH7 protein. Computational prediction suggests that this variant may have deleterious impact on protein structure and function. To our knowledge, functional studies have not been reported for this variant. This variant has not been reported in individuals affected with MYH7-related disorders in the literature. This variant has been identified in 11/1614134 chromosomes in the general population by the Genome Aggregation Database (gnomAD). The available evidence is insufficient to determine the role of this variant in disease conclusively. Therefore, this variant is classified as a Variant of Uncertain Significance.

Ambry Genetics
Classification: Uncertain significance for Cardiovascular phenotype. Last evaluated: 2025-05-16. Review status: criteria provided, single submitter. Criteria: Ambry Variant Classification Scheme 2023. Collection method: clinical testing. Allele origin: germline.
Comment: The p.R1289W variant (also known as c.3865C>T), located in coding exon 27 of the MYH7 gene, results from a C to T substitution at nucleotide position 3865. The arginine at codon 1289 is replaced by tryptophan, an amino acid with dissimilar properties. This variant has been reported in exome and biobank cohorts (Homburger JR et al. Proc Natl Acad Sci U S A, 2016 Jun;113:6701-6; Salfati EL et al. Genome Med, 2019 Dec;11:83; Park J et al. Hum Mol Genet, 2022 Mar;31:827-837). This amino acid position is highly conserved in available vertebrate species. In addition, this alteration is predicted to be deleterious by in silico analysis. Based on the available evidence, the clinical significance of this variant remains unclear.

Labcorp Genetics (formerly Invitae), Labcorp
Classification: Uncertain significance for Hypertrophic cardiomyopathy. Last evaluated: 2025-02-10. Review status: criteria provided, single submitter. Criteria: Invitae Variant Classification Sherloc (09022015). Collection method: clinical testing. Allele origin: germline.
Comment: This sequence change replaces arginine, which is basic and polar, with tryptophan, which is neutral and slightly polar, at codon 1289 of the MYH7 protein (p.Arg1289Trp). This variant is present in population databases (rs180824037, gnomAD 0.003%). This variant has not been reported in the literature in individuals affected with MYH7-related conditions. ClinVar contains an entry for this variant (Variation ID: 374964). Invitae Evidence Modeling of protein sequence and biophysical properties (such as structural, functional, and spatial information, amino acid conservation, physicochemical variation, residue mobility, and thermodynamic stability) indicates that this missense variant is expected to disrupt MYH7 protein function with a positive predictive value of 95%. In summary, the available evidence is currently insufficient to determine the role of this variant in disease. Therefore, it has been classified as a Variant of Uncertain Significance.

Knight Diagnostic Laboratories, Oregon Health and Sciences University
Classification: Uncertain significance for Dilated cardiomyopathy 1S. Last evaluated: 2016-03-30. Review status: no assertion criteria provided. Criteria: ACMG Guidelines, 2015. Collection method: clinical testing. Allele origin: germline. Affected: no. Study: CSER-NextGen. Not counted in ClinVar's aggregate classification.

Knight Diagnostic Laboratories, Oregon Health and Sciences University
Classification: Uncertain significance for Hypertrophic cardiomyopathy 1. Last evaluated: 2016-03-30. Review status: no assertion criteria provided. Criteria: ACMG Guidelines, 2015. Collection method: clinical testing. Allele origin: germline. Affected: no. Study: CSER-NextGen. Not counted in ClinVar's aggregate classification.

Department of Pathology and Laboratory Medicine, Sinai Health System
Classification: Uncertain significance. Review status: no assertion criteria provided. Collection method: clinical testing. Allele origin: unknown. Affected: yes. Study: The Canadian Open Genetics Repository (COGR). Not counted in ClinVar's aggregate classification.
Comment: The MYH7 p.Arg1289Trp variant was not identified in the literature but was identified in dbSNP (ID: rs180824037) and ClinVar (classified as uncertain significance by Knight Diagnostic Laboratories, Oregon Health and Sciences University). The variant was identified in control databases in 3 of 251474 chromosomes at a frequency of 0.00001193 (Genome Aggregation Database March 6, 2019, v2.1.1). The variant was observed in the European (non-Finnish) population in 3 of 113758 chromosomes (freq: 0.000026), but was not observed in the African, Latino, Ashkenazi Jewish, East Asian, European (Finnish), Other, or South Asian populations. The p.Arg1289 residue is conserved across mammals and other organisms, and four out of five computational analyses (PolyPhen-2, SIFT, AlignGVGD, BLOSUM, MutationTaster) suggest that the variant may impact the protein; however, this information is not predictive enough to assume pathogenicity. The variant occurs outside of the splicing consensus sequence and in silico or computational prediction software programs (SpliceSiteFinder, MaxEntScan, NNSPLICE, GeneSplicer) do not predict a difference in splicing. In summary, based on the above information the clinical significance of this variant cannot be determined with certainty at this time. This variant is classified as a variant of uncertain significance.

Literature cited by the submitters: PubMed 27247418 (cited by Ambry Genetics); PubMed 31847883 (cited by Ambry Genetics); PubMed 34542152 (cited by Ambry Genetics).